The following is an entry in ClinVar:

ClinVar aggregate classification (germline): Uncertain significance. Review status: criteria provided, multiple submitters, no conflicts (2 of 4 stars). 4 submissions from 4 submitters: Uncertain significance (3). 1 of the submissions does not count toward it. Last evaluated 2025-12-29.

Conditions:
Hereditary cancer-predisposing syndrome. Also called: Hereditary neoplastic syndrome; Tumor predisposition; Neoplastic Syndromes, Hereditary; Hereditary Cancer Syndrome. Identifiers: Orphanet 140162, MedGen C0027672, MeSH D009386, MONDO:0015356.
Ataxia-telangiectasia syndrome (AT). Also called: AT, COMPLEMENTATION GROUP C; Ataxia telangiectasia (A-T); Cerebello-oculocutaneous telangiectasia; Immunodeficiency with ataxia telangiectasia; LOUIS-BAR SYNDROME; Ataxia-telangiectasia. Identifiers: Orphanet 100, MedGen C0004135, MONDO:0008840, OMIM 208900.

Submissions (4):

Center for Genomic Medicine, Rigshospitalet, Copenhagen University Hospital
Classification: Uncertain significance. Last evaluated: 2025-12-29. Review status: criteria provided, single submitter. Criteria: ACMG Guidelines, 2015. Collection method: clinical testing. Allele origin: germline.

Labcorp Genetics (formerly Invitae), Labcorp
Classification: Uncertain significance for Ataxia-telangiectasia syndrome. Last evaluated: 2024-04-22. Review status: criteria provided, single submitter. Criteria: Invitae Variant Classification Sherloc (09022015). Collection method: clinical testing. Allele origin: germline.
Comment: This sequence change replaces isoleucine, which is neutral and non-polar, with serine, which is neutral and polar, at codon 1337 of the ATM protein (p.Ile1337Ser). This variant is not present in population databases (gnomAD no frequency). This variant has not been reported in the literature in individuals affected with ATM-related conditions. ClinVar contains an entry for this variant (Variation ID: 963103). An algorithm developed to predict the effect of missense changes on protein structure and function (PolyPhen-2) suggests that this variant is likely to be tolerated. In summary, the available evidence is currently insufficient to determine the role of this variant in disease. Therefore, it has been classified as a Variant of Uncertain Significance.

Ambry Genetics
Classification: Uncertain significance for Hereditary cancer-predisposing syndrome. Last evaluated: 2023-08-25. Review status: criteria provided, single submitter. Criteria: Ambry Variant Classification Scheme 2023. Collection method: clinical testing. Allele origin: germline.
Comment: The p.I1337S variant (also known as c.4010T>G), located in coding exon 26 of the ATM gene, results from a T to G substitution at nucleotide position 4010. The isoleucine at codon 1337 is replaced by serine, an amino acid with dissimilar properties. This amino acid position is conserved. In addition, this alteration is predicted to be tolerated by in silico analysis. Since supporting evidence is limited at this time, the clinical significance of this alteration remains unclear.

Natera, Inc.
Classification: Uncertain significance for Ataxia-telangiectasia. Last evaluated: 2021-07-26. Review status: no assertion criteria provided. Collection method: clinical testing. Allele origin: germline. Not counted in ClinVar's aggregate classification.

NM_000051.4(ATM):c.4010T>G (p.Ile1337Ser)

Gene: ATM (ATM serine/threonine kinase; plus strand). Cytogenetic location: 11q22.3.
Variant type: single nucleotide variant.
Coding change: c.4010T>G on transcript NM_000051.4 (MANE Select); coding-DNA position 4010, T replaced by G.
Protein change: p.Ile1337Ser; replaces isoleucine 1337 with serine.
Molecular consequence: missense variant.
Genome position (GRCh38, 1-based): chr11:108,287,616, T>G. VCF-style: chr11-108287616-T-G. GRCh37 (hg19) VCF-style: chr11-108158343-T-G.
Other names: c.4010T>G, p.Ile1337Ser (NM_001351834.2); short protein forms I1337S.
Identifiers: ClinVar variation 963103 (VCV000963103.15), dbSNP rs1060501660, ClinGen allele CA382527554.